The following is an entry in ClinVar:

NM_007294.4(BRCA1):c.4633C>T (p.His1545Tyr)

Gene: BRCA1 (BRCA1 DNA repair associated; minus strand). Cytogenetic location: 17q21.31.
Variant type: single nucleotide variant.
Coding change: c.4633C>T on transcript NM_007294.4 (MANE Select); coding-DNA position 4633, C replaced by T.
Protein change: p.His1545Tyr; replaces histidine 1545 with tyrosine.
Molecular consequence: missense variant. On other transcripts: non-coding transcript variant (1).
Genome position (GRCh38, 1-based): chr17:43,074,373, G>A on the plus strand (C>T on the coding strand, the complement: BRCA1 is on the minus strand). VCF-style: chr17-43074373-G-A. GRCh37 (hg19) VCF-style: chr17-41226390-G-A.
Other names: c.1321C>T, p.His441Tyr (NM_001407990.1, NM_001407991.1, NM_001407992.1 and 13 more transcripts); c.1318C>T, p.His440Tyr (NM_001408392.1, NM_001408396.1, NM_001408397.1 and 8 more transcripts); c.1315C>T, p.His439Tyr (NM_001408406.1, NM_001408407.1, NM_001408408.1); c.1312C>T, p.His438Tyr (NM_001408409.1); c.1249C>T, p.His417Tyr (NM_001408410.1); c.1246C>T, p.His416Tyr (NM_001408411.1); c.1243C>T, p.His415Tyr (NM_001408412.1, NM_001408413.1, NM_001408414.1 and 2 more transcripts); c.1201C>T, p.His401Tyr (NM_001408427.1, NM_001408428.1, NM_001408429.1 and 4 more transcripts); and 68 more; short protein forms H1498Y, H441Y, H1566Y, H1545Y, H1376Y, H1416Y, H1473Y, H1474Y.
Identifiers: ClinVar variation 1466706 (VCV001466706.9), dbSNP rs2153996148, ClinGen allele CA10592244.

ClinVar aggregate classification (germline): Uncertain significance. Review status: criteria provided, multiple submitters, no conflicts (2 of 4 stars). 3 submissions from 3 submitters: Uncertain significance (3). Last evaluated 2025-08-19.

Conditions:
Hereditary cancer-predisposing syndrome. Also called: Tumor predisposition; Hereditary Cancer Syndrome; Hereditary neoplastic syndrome; Neoplastic Syndromes, Hereditary. Identifiers: Orphanet 140162, MedGen C0027672, MeSH D009386, MONDO:0015356.
Hereditary breast ovarian cancer syndrome. Also called: BRCA1- and BRCA2-Associated Hereditary Breast and Ovarian Cancer; Hereditary breast and ovarian cancer; Hereditary breast and ovarian cancer syndrome; Hereditary breast and ovarian cancer syndrome (HBOC); Breast and ovarian cancer; Hereditary breast and/or ovarian cancer syndrome. Identifiers: Orphanet 145, MedGen C0677776, MeSH D061325, MONDO:0003582. Disease mechanism: loss of function.

gnomAD v4.1: 1 of 1,614,114 alleles (0.000062%); highest among the groups gnomAD compares: Non-Finnish European, 0.000085%; no homozygotes.

Submissions (3):

Color Diagnostics, LLC DBA Color Health
Classification: Uncertain significance for Hereditary cancer-predisposing syndrome. Last evaluated: 2025-08-19. Review status: criteria provided, single submitter. Criteria: ACMG Guidelines, 2015. Collection method: clinical testing. Allele origin: germline.
Comment: This missense variant replaces histidine with tyrosine at codon 1545 of the BRCA1 protein. Computational prediction suggests that this variant may not impact protein structure and function. To our knowledge, functional studies have not been reported for this variant. This variant has not been reported in individuals affected with BRCA1-related disorders in the literature. This variant has not been identified in the general population by the Genome Aggregation Database (gnomAD). The available evidence is insufficient to determine the role of this variant in disease conclusively. Therefore, this variant is classified as a Variant of Uncertain Significance.

Ambry Genetics
Classification: Uncertain significance for Hereditary cancer-predisposing syndrome. Last evaluated: 2024-04-10. Review status: criteria provided, single submitter. Criteria: Ambry Variant Classification Scheme 2023. Collection method: clinical testing. Allele origin: germline.
Comment: The p.H1545Y variant (also known as c.4633C>T), located in coding exon 13 of the BRCA1 gene, results from a C to T substitution at nucleotide position 4633. The histidine at codon 1545 is replaced by tyrosine, an amino acid with similar properties. This amino acid position is not well conserved in available vertebrate species. In addition, the in silico prediction for this alteration is inconclusive. Based on the available evidence, the clinical significance of this variant remains unclear.

Labcorp Genetics (formerly Invitae), Labcorp
Classification: Uncertain significance for Hereditary breast ovarian cancer syndrome. Last evaluated: 2021-08-06. Review status: criteria provided, single submitter. Criteria: Invitae Variant Classification Sherloc (09022015). Collection method: clinical testing. Allele origin: germline.
Comment: This variant has not been reported in the literature in individuals affected with BRCA1-related conditions. Advanced modeling of protein sequence and biophysical properties (such as structural, functional, and spatial information, amino acid conservation, physicochemical variation, residue mobility, and thermodynamic stability) performed at Invitae indicates that this missense variant is not expected to disrupt BRCA1 protein function. In summary, the available evidence is currently insufficient to determine the role of this variant in disease. Therefore, it has been classified as a Variant of Uncertain Significance. This variant is not present in population databases (ExAC no frequency). This sequence change replaces histidine with tyrosine at codon 1545 of the BRCA1 protein (p.His1545Tyr). The histidine residue is weakly conserved and there is a moderate physicochemical difference between histidine and tyrosine.